The following is an entry in ClinVar:

ClinVar aggregate classification (germline): Likely benign (0 of 4 stars; one submission).

Conditions:
NOTCH3-related disorder. Also called: NOTCH3-related disorders; NOTCH3-related condition.

gnomAD v4.1: 43 of 1,613,312 alleles (0.0027%); highest among the groups gnomAD compares: South Asian, 0.0044%; no homozygotes.

Submission:

PreventionGenetics, part of Exact Sciences
Classification: Likely benign for NOTCH3-related condition. Last evaluated: 2024-09-26. Review status: no assertion criteria provided. Collection method: clinical testing. Allele origin: germline.
Comment: This variant is classified as likely benign based on ACMG/AMP sequence variant interpretation guidelines (Richards et al. 2015 PMID: 25741868, with internal and published modifications).

NM_000435.3(NOTCH3):c.6004G>A (p.Asp2002Asn)

Gene: NOTCH3 (notch receptor 3; minus strand). Cytogenetic location: 19p13.12.
Variant type: single nucleotide variant.
Coding change: c.6004G>A on transcript NM_000435.3 (MANE Select); coding-DNA position 6004, G replaced by A.
Protein change: p.Asp2002Asn; replaces aspartic acid 2002 with asparagine.
Molecular consequence: missense variant.
Genome position (GRCh38, 1-based): chr19:15,161,624, C>T on the plus strand (G>A on the coding strand, the complement: NOTCH3 is on the minus strand). VCF-style: chr19-15161624-C-T. GRCh37 (hg19) VCF-style: chr19-15272435-C-T.
Other names: short protein forms D2002N.
Identifiers: ClinVar variation 3352800 (VCV003352800.1).